The following is an entry in ClinVar:

NM_001256071.3(RNF213):c.13592C>T (p.Pro4531Leu)

Genes: RNF213 (ring finger protein 213; plus strand), RNF213-AS1 (RNF213 antisense RNA 1; minus strand). Cytogenetic location: 17q25.3.
Variant type: single nucleotide variant.
Coding change: c.13592C>T on transcript NM_001256071.3 (MANE Select); coding-DNA position 13592, C replaced by T.
Protein change: p.Pro4531Leu; replaces proline 4531 with leucine.
Molecular consequence: missense variant.
Genome position (GRCh38, 1-based): chr17:80,379,666, C>T. VCF-style: chr17-80379666-C-T. GRCh37 (hg19) VCF-style: chr17-78353466-C-T.
Other names: p.Pro4531Leu; short protein forms P4531L.
Identifiers: ClinVar variation 780068 (VCV000780068.9), dbSNP rs143904490, ClinGen allele CA8822661.

ClinVar aggregate classification (germline): Conflicting classifications of pathogenicity. Review status: criteria provided, conflicting classifications (1 of 4 stars). 3 submissions from 3 submitters: Uncertain significance (1); Likely benign (1). 1 of the submissions does not count toward it. Last evaluated 2025-10-02.

Conditions:
RNF213-related disorder. Also called: RNF213-related condition.

Allele frequency attached by ClinVar (database versions not stated): gnomAD exomes 0.00058 and 0.00052; 1000 Genomes Project 30x 0.00016; 1000 Genomes Project 0.00020; gnomAD 0.00050 and 0.00055; ExAC 0.00054; ESP Exome Variant Server 0.00054; TOPMed 0.00057.
gnomAD v4.1: 918 of 1,614,190 alleles (0.057%); highest among the groups gnomAD compares: Non-Finnish European, 0.065%; 1 homozygote.

Submissions (3):

Labcorp Genetics (formerly Invitae), Labcorp
Classification: Likely benign. Last evaluated: 2025-10-02. Review status: criteria provided, single submitter. Criteria: Invitae Variant Classification Sherloc (09022015). Collection method: clinical testing. Allele origin: germline.

Mayo Clinic Laboratories, Mayo Clinic
Classification: Uncertain significance. Last evaluated: 2024-06-05. Review status: criteria provided, single submitter. Criteria: ACMG Guidelines, 2015. Collection method: clinical testing. Allele origin: germline. Observed: 1 variant allele.
Comment: BP4

PreventionGenetics, part of Exact Sciences
Classification: Uncertain significance for RNF213-related condition. Last evaluated: 2024-02-09. Review status: no assertion criteria provided. Collection method: clinical testing. Allele origin: germline. Not counted in ClinVar's aggregate classification.
Comment: The RNF213 c.13592C>T variant is predicted to result in the amino acid substitution p.Pro4531Leu. To our knowledge, this variant has not been reported in the literature. This variant is reported in 0.14% of alleles in individuals of Ashkenazi Jewish descent in gnomAD. Although we suspect that this variant may be benign, at this time, the clinical significance of this variant is uncertain due to the absence of conclusive functional and genetic evidence.